The following is an entry in ClinVar:

ClinVar aggregate classification (germline): Conflicting classifications of pathogenicity. Review status: criteria provided, conflicting classifications (1 of 4 stars). 2 submissions from 2 submitters: Uncertain significance (1); Likely benign (1). Last evaluated 2025-08-20.

Conditions:
Pitt-Hopkins syndrome (PTHS). Also called: ENCEPHALOPATHY, SEVERE EPILEPTIC, WITH AUTONOMIC DYSFUNCTION; MENTAL RETARDATION, SYNDROMAL, WITH INTERMITTENT HYPERVENTILATION. Identifiers: Orphanet 2896, MedGen C1970431, MONDO:0012589, OMIM 610954.
Inborn genetic diseases. Identifiers: MedGen C0950123, MeSH D030342.

gnomAD v4.1: 9 of 1,613,788 alleles (0.00056%); highest among the groups gnomAD compares: African/African-American, 0.011%; no homozygotes.

Submissions (2):

Ambry Genetics
Classification: Likely benign for Inborn genetic diseases. Last evaluated: 2025-08-20. Review status: criteria provided, single submitter. Criteria: Ambry Variant Classification Scheme 2023. Collection method: clinical testing. Allele origin: germline.

Labcorp Genetics (formerly Invitae), Labcorp
Classification: Uncertain significance for Pitt-Hopkins syndrome. Last evaluated: 2024-08-08. Review status: criteria provided, single submitter. Criteria: Invitae Variant Classification Sherloc (09022015). Collection method: clinical testing. Allele origin: germline.
Comment: This sequence change replaces histidine, which is basic and polar, with arginine, which is basic and polar, at codon 419 of the TCF4 protein (p.His419Arg). This variant is present in population databases (rs373097472, gnomAD 0.02%). This variant has not been reported in the literature in individuals affected with TCF4-related conditions. Advanced modeling of protein sequence and biophysical properties (such as structural, functional, and spatial information, amino acid conservation, physicochemical variation, residue mobility, and thermodynamic stability) performed at Invitae indicates that this missense variant is not expected to disrupt TCF4 protein function with a negative predictive value of 95%. In summary, the available evidence is currently insufficient to determine the role of this variant in disease. Therefore, it has been classified as a Variant of Uncertain Significance.

NM_001083962.2(TCF4):c.1256A>G (p.His419Arg)

Gene: TCF4 (transcription factor 4; minus strand). Cytogenetic location: 18q21.2.
Variant type: single nucleotide variant.
Coding change: c.1256A>G on transcript NM_001083962.2 (MANE Select); coding-DNA position 1256, A replaced by G.
Protein change: p.His419Arg; replaces histidine 419 with arginine.
Molecular consequence: missense variant.
Genome position (GRCh38, 1-based): chr18:55,254,591, T>C on the plus strand (A>G on the coding strand, the complement: TCF4 is on the minus strand). VCF-style: chr18-55254591-T-C. GRCh37 (hg19) VCF-style: chr18-52921822-T-C.
Other names: c.1562A>G, p.His521Arg (NM_001243226.3); c.1184A>G, p.His395Arg (NM_001243227.2, NM_001306207.1, NM_001369575.1 and 5 more transcripts); c.1274A>G, p.His425Arg (NM_001243228.2); c.1043A>G, p.His348Arg (NM_001306208.1, NM_001243232.1); c.1253A>G, p.His418Arg (NM_001330604.3, NM_001369569.1, NM_001369570.1 and 2 more transcripts); c.1247A>G, p.His416Arg (NM_001243230.2); c.1130A>G, p.His377Arg (NM_001243231.2, NM_001348211.2); c.776A>G, p.His259Arg (NM_001243236.2, NM_001243234.2, NM_001243235.2 and 1 more transcripts); and 7 more; short protein forms H258R, H259R, H395R, H396R, H289R, H377R, H416R, H418R.
Identifiers: ClinVar variation 3724791 (VCV003724791.3).